The following is an entry in ClinVar:

NM_000238.3:c.(2692+1_2693-1)_(3330+1_3331-1)del

Gene: KCNH2 (potassium voltage-gated channel subfamily H member 2; minus strand).
Variant type: Deletion.
Identifiers: ClinVar variation 3895128 (VCV003895128.1).

ClinVar aggregate classification (germline): Likely pathogenic (1 of 4 stars; one submission).

Conditions:
Cardiovascular phenotype. Identifiers: MedGen CN230736.

Submission:

Molecular Diagnostic Laboratory for Inherited Cardiovascular Disease, Montreal Heart Institute
Classification: Likely pathogenic for Cardiovascular phenotype. Last evaluated: 2024-02-22. Review status: criteria provided, single submitter. Criteria: ACMG Guidelines, 2015. Collection method: clinical testing. Allele origin: germline. Affected: yes.
Comment: PVS1, PM2